The following is an entry in ClinVar:

NM_001082486.1(ACD):c.169G>C (p.Ala57Pro)

Gene: ACD (ACD shelterin complex subunit and telomerase recruitment factor; minus strand). Cytogenetic location: 16q22.1.
Variant type: single nucleotide variant.
Coding change: c.169G>C on transcript NM_001082486.1; coding-DNA position 169, G replaced by C.
Protein change: p.Ala57Pro; replaces alanine 57 with proline.
Genome position (GRCh38, 1-based): chr16:67,660,310, C>G on the plus strand (G>C on the coding strand, the complement: ACD is on the minus strand). VCF-style: chr16-67660310-C-G. GRCh37 (hg19) VCF-style: chr16-67694213-C-G.
Other names: short protein forms A57P.
Identifiers: ClinVar variation 3480554 (VCV003480554.1).

ClinVar aggregate classification (germline): Uncertain significance (1 of 4 stars; one submission).

Conditions:
Inborn genetic diseases. Identifiers: MedGen C0950123, MeSH D030342.

Submission:

Ambry Genetics
Classification: Uncertain significance for Inborn genetic diseases. Last evaluated: 2024-11-15. Review status: criteria provided, single submitter. Criteria: Ambry Variant Classification Scheme 2023. Collection method: clinical testing. Allele origin: germline.
Comment: The p.A57P variant (also known as c.169G>C), located in coding exon 1 of the ACD gene, results from a G to C substitution at nucleotide position 169. The alanine at codon 57 is replaced by proline, an amino acid with highly similar properties. This amino acid position is conserved. In addition, this alteration is predicted to be tolerated by in silico analysis. Based on the available evidence, the clinical significance of this variant remains unclear.